The following is an entry in ClinVar:

NM_005921.2(MAP3K1):c.4415C>T (p.Ser1472Leu)

Gene: MAP3K1 (mitogen-activated protein kinase kinase kinase 1; plus strand). Cytogenetic location: 5q11.2.
Variant type: single nucleotide variant.
Coding change: c.4415C>T on transcript NM_005921.2 (MANE Select); coding-DNA position 4415, C replaced by T.
Protein change: p.Ser1472Leu; replaces serine 1472 with leucine.
Molecular consequence: missense variant.
Genome position (GRCh38, 1-based): chr5:56,893,556, C>T. VCF-style: chr5-56893556-C-T. GRCh37 (hg19) VCF-style: chr5-56189383-C-T.
Other names: short protein forms S1472L.
Identifiers: ClinVar variation 1364305 (VCV001364305.8), dbSNP rs776167103, ClinGen allele CA3273385.

ClinVar aggregate classification (germline): Uncertain significance (1 of 4 stars; one submission).

Conditions:
46,XY sex reversal 6. Also called: 46,XY GONADAL DYSGENESIS, PARTIAL OR COMPLETE, MAP3K1-RELATED; 46,XY SEX REVERSAL, PARTIAL OR COMPLETE, MAP3K1-RELATED. Identifiers: MedGen C3151064, MONDO:0013410, OMIM 613762.

Allele frequency attached by ClinVar (database versions not stated): gnomAD exomes below 0.00001; ExAC 0.00001; TOPMed 0.00001.
gnomAD v4.1: 4 of 1,613,936 alleles (0.00025%); highest among the groups gnomAD compares: Middle Eastern, 0.017%; no homozygotes.

Submission:

Labcorp Genetics (formerly Invitae), Labcorp
Classification: Uncertain significance for 46,XY sex reversal 6. Last evaluated: 2021-02-03. Review status: criteria provided, single submitter. Criteria: Invitae Variant Classification Sherloc (09022015). Collection method: clinical testing. Allele origin: germline.
Comment: In summary, the available evidence is currently insufficient to determine the role of this variant in disease. Therefore, it has been classified as a Variant of Uncertain Significance. Algorithms developed to predict the effect of missense changes on protein structure and function are either unavailable or do not agree on the potential impact of this missense change (SIFT: "Deleterious"; PolyPhen-2: "Benign"; Align-GVGD: "Class C25"). This variant has not been reported in the literature in individuals with MAP3K1-related conditions. This variant is present in population databases (rs776167103, ExAC 0.009%). This sequence change replaces serine with leucine at codon 1472 of the MAP3K1 protein (p.Ser1472Leu). The serine residue is highly conserved and there is a large physicochemical difference between serine and leucine.